The following is an entry in ClinVar:

NM_145054.5(CFAP52):c.439G>A (p.Ala147Thr)

Gene: CFAP52 (cilia and flagella associated protein 52; plus strand). Cytogenetic location: 17p13.1.
Variant type: single nucleotide variant.
Coding change: c.439G>A on transcript NM_145054.5 (MANE Select); coding-DNA position 439, G replaced by A.
Protein change: p.Ala147Thr; replaces alanine 147 with threonine.
Molecular consequence: missense variant.
Genome position (GRCh38, 1-based): chr17:9,594,224, G>A. VCF-style: chr17-9594224-G-A. GRCh37 (hg19) VCF-style: chr17-9497541-G-A.
Other names: c.235G>A, p.Ala79Thr (NM_001080556.2); short protein forms A147T, A79T.
Identifiers: ClinVar variation 962973 (VCV000962973.12), dbSNP rs748587285, ClinGen allele CA8381883.
Genomic context (GRCh38, chr17:9,594,224, plus strand): 5'-TTTTTTTTTGGTCCCTCTTATTTTGGCAGTGTGGTGGTGTGGAGCATAGCCAAGAGAGAT[G>A]CCATCTGTGGCAGCCCTGCAGCCGGCCTCAATGTTGGCAATGCCACCAATGTGATCTTCT-3'
Protein context (NP_659491.4, residues 137-157): VVVWSIAKRD[Ala147Thr]ICGSPAAGLN

ClinVar aggregate classification (germline): Uncertain significance. Review status: criteria provided, multiple submitters, no conflicts (2 of 4 stars). 2 submissions from 2 submitters: Uncertain significance (2). Last evaluated 2023-04-27.

Conditions:
Situs inversus. Also called: Situs inversus totalis. Identifiers: Orphanet 101063, MedGen C4551493, MONDO:0010029, HP:0001696.

Allele frequency attached by ClinVar (database versions not stated): gnomAD exomes below 0.00001 and 0.00002; ExAC 0.00001; TOPMed 0.00007; gnomAD 0.00009.
gnomAD v4.1: 18 of 1,613,448 alleles (0.0011%); highest among the groups gnomAD compares: African/African-American, 0.023%; no homozygotes.

Submissions (2):

Ambry Genetics
Classification: Uncertain significance. Last evaluated: 2023-04-27. Review status: criteria provided, single submitter. Criteria: Ambry Variant Classification Scheme 2023. Collection method: clinical testing. Allele origin: germline.

Labcorp Genetics (formerly Invitae), Labcorp
Classification: Uncertain significance for Situs inversus. Last evaluated: 2022-07-19. Review status: criteria provided, single submitter. Criteria: Invitae Variant Classification Sherloc (09022015). Collection method: clinical testing. Allele origin: germline.
Comment: This variant is present in population databases (rs748587285, gnomAD 0.03%). This sequence change replaces alanine, which is neutral and non-polar, with threonine, which is neutral and polar, at codon 147 of the CFAP52 protein (p.Ala147Thr). This variant has not been reported in the literature in individuals affected with CFAP52-related conditions. In summary, the available evidence is currently insufficient to determine the role of this variant in disease. Therefore, it has been classified as a Variant of Uncertain Significance. Algorithms developed to predict the effect of missense changes on protein structure and function are either unavailable or do not agree on the potential impact of this missense change (SIFT: "Tolerated"; PolyPhen-2: "Probably Damaging"; Align-GVGD: "Class C0"). ClinVar contains an entry for this variant (Variation ID: 962973).